The following is an entry in ClinVar:

ClinVar aggregate classification (germline): Uncertain significance. Review status: criteria provided, multiple submitters, no conflicts (2 of 4 stars). 5 submissions from 5 submitters: Uncertain significance (5). Last evaluated 2026-08-07.

Conditions:
PLEC-related disorder. Also called: PLEC-related condition; PLEC-related disorders.
Epidermolysis bullosa simplex 5B, with muscular dystrophy (EBS5B). Also called: EPIDERMOLYSIS BULLOSA SIMPLEX AND LIMB-GIRDLE MUSCULAR DYSTROPHY; Epidermolysis bullosa simplex with muscular dystrophy. Identifiers: Orphanet 257, MedGen C2931072, MONDO:0009181, OMIM 226670.
Epidermolysis bullosa simplex, Ogna type (EBS5A). Also called: Pidermolysis bullosa simplex 5A, Ogna type; EPIDERMOLYSIS BULLOSA SIMPLEX 5A, OGNA TYPE. Identifiers: Orphanet 79401, MedGen C0432317, MONDO:0007555, OMIM 131950.
Autosomal recessive limb-girdle muscular dystrophy type 2Q (LGMDR17). Also called: MUSCULAR DYSTROPHY, LIMB-GIRDLE, AUTOSOMAL RECESSIVE 17. Identifiers: Orphanet 254361, MedGen C3150989, MONDO:0013390, OMIM 613723.
Epidermolysis bullosa simplex with nail dystrophy (EBS5D). Identifiers: MedGen C4225309, MONDO:0014661, OMIM 616487.
Epidermolysis bullosa simplex 5C, with pyloric atresia (EBS5C). Also called: PLEC-Related Epidermolysis Bullosa with Pyloric Atresia; Epidermolysis bullosa simplex with pyloric atresia; PLEC1-Related Epidermolysis Bullosa with Pyloric Atresia. Identifiers: Orphanet 158684, MedGen C2677349, MONDO:0012807, OMIM 612138.
Inborn genetic diseases. Identifiers: MedGen C0950123, MeSH D030342.

Allele frequency attached by ClinVar (database versions not stated): gnomAD 0.00001; TOPMed 0.00003; gnomAD exomes 0.00004; ExAC 0.00009.
gnomAD v4.1: 74 of 1,588,580 alleles (0.0047%); highest among the groups gnomAD compares: Middle Eastern, 0.017%; no homozygotes.

Submissions (5):

PreventionGenetics, part of Exact Sciences
Classification: Uncertain significance for PLEC-related condition. Last evaluated: 2026-08-07. Review status: criteria provided, single submitter. Criteria: ACMG Guidelines, 2015. Collection method: clinical testing. Allele origin: germline.
Comment: The PLEC c.5134C>T variant is predicted to result in the amino acid substitution p.Arg1712Trp. To our knowledge, this variant has not been reported in the literature. This variant is reported in 0.0060% of alleles in individuals of Latino descent in gnomAD. At this time, the clinical significance of this variant is uncertain due to the absence of conclusive functional and genetic evidence.

Labcorp Genetics (formerly Invitae), Labcorp
Classification: Uncertain significance for Autosomal recessive limb-girdle muscular dystrophy type 2Q; Epidermolysis bullosa simplex, Ogna type; Epidermolysis bullosa simplex with nail dystrophy; Epidermolysis bullosa simplex 5C, with pyloric atresia; Epidermolysis bullosa simplex 5B, with muscular dystrophy. Last evaluated: 2025-11-26. Review status: criteria provided, single submitter. Criteria: Invitae Variant Classification Sherloc (09022015). Collection method: clinical testing. Allele origin: germline.
Comment: This sequence change replaces arginine, which is basic and polar, with tryptophan, which is neutral and slightly polar, at codon 1712 of the PLEC protein (p.Arg1712Trp). The frequency data for this variant in the population databases is considered unreliable, as metrics indicate poor data quality at this position in the gnomAD database. This variant has not been reported in the literature in individuals affected with PLEC-related conditions. ClinVar contains an entry for this variant (Variation ID: 196737). Invitae Evidence Modeling of protein sequence and biophysical properties (such as structural, functional, and spatial information, amino acid conservation, physicochemical variation, residue mobility, and thermodynamic stability) indicates that this missense variant is not expected to disrupt PLEC protein function with a negative predictive value of 80%. In summary, the available evidence is currently insufficient to determine the role of this variant in disease. Therefore, it has been classified as a Variant of Uncertain Significance.

Ambry Genetics
Classification: Uncertain significance for Inborn genetic diseases. Last evaluated: 2024-03-19. Review status: criteria provided, single submitter. Criteria: Ambry Variant Classification Scheme 2023. Collection method: clinical testing. Allele origin: germline.

Genetic Services Laboratory, University of Chicago
Classification: Uncertain significance. Last evaluated: 2015-01-09. Review status: criteria provided, single submitter. Criteria: ACMG Guidelines, 2015. Collection method: clinical testing. Allele origin: germline.

Eurofins Ntd Llc (ga)
Classification: Uncertain significance. Last evaluated: 2014-06-05. Review status: criteria provided, single submitter. Criteria: EGL Classification Definitions 2015. Collection method: clinical testing. Allele origin: germline. Observed: 1 variant allele, 1 heterozygote.

NM_201384.3(PLEC):c.5053C>T (p.Arg1685Trp)

Gene: PLEC (plectin; minus strand). Cytogenetic location: 8q24.3.
Variant type: single nucleotide variant.
Coding change: c.5053C>T on transcript NM_201384.3 (MANE Select); coding-DNA position 5053, C replaced by T.
Protein change: p.Arg1685Trp; replaces arginine 1685 with tryptophan.
Molecular consequence: missense variant.
Genome position (GRCh38, 1-based): chr8:143,924,876, G>A on the plus strand (C>T on the coding strand, the complement: PLEC is on the minus strand). VCF-style: chr8-143924876-G-A. GRCh37 (hg19) VCF-style: chr8-144999044-G-A.
Other names: c.5134C>T, p.Arg1712Trp (NM_000445.5); c.5011C>T, p.Arg1671Trp (NM_201378.4); c.4987C>T, p.Arg1663Trp (NM_201379.3); c.5464C>T, p.Arg1822Trp (NM_201380.4); c.4957C>T, p.Arg1653Trp (NM_201381.3); c.5053C>T, p.Arg1685Trp (NM_201382.4); c.5065C>T, p.Arg1689Trp (NM_201383.3); c.5134C>T (NM_000445.4); short protein forms R1653W, R1663W, R1671W, R1685W, R1689W, R1712W, R1822W.
Identifiers: ClinVar variation 196737 (VCV000196737.16), dbSNP rs781802082, ClinGen allele CA206756.